The following is an entry in ClinVar:

ClinVar aggregate classification (germline): Likely benign. Review status: criteria provided, multiple submitters, no conflicts (2 of 4 stars). 3 submissions from 3 submitters: Likely benign (3). Last evaluated 2026-01-27.

Conditions:
Cardiovascular phenotype. Identifiers: MedGen CN230736.
Dilated cardiomyopathy 1G (CMD1G). Identifiers: Orphanet 154, MedGen C1858763, MONDO:0011400, OMIM 604145.
Autosomal recessive limb-girdle muscular dystrophy type 2J (LGMDR10). Also called: MUSCULAR DYSTROPHY, LIMB-GIRDLE, AUTOSOMAL RECESSIVE 10; Limb-girdle muscular dystrophy, type 2J. Identifiers: Orphanet 140922, MedGen C1837342, MONDO:0012127, OMIM 608807.

Allele frequency attached by ClinVar (database versions not stated): ExAC 0.00001; gnomAD exomes 0.00001 and 0.00002.
gnomAD v4.1: 5 of 1,607,620 alleles (0.00031%); highest among the groups gnomAD compares: Admixed American, 0.0068%; no homozygotes.

Submissions (3):

Labcorp Genetics (formerly Invitae), Labcorp
Classification: Likely benign for Dilated cardiomyopathy 1G; Autosomal recessive limb-girdle muscular dystrophy type 2J. Last evaluated: 2026-01-27. Review status: criteria provided, single submitter. Criteria: Invitae Variant Classification Sherloc (09022015). Collection method: clinical testing. Allele origin: germline.

CeGaT Center for Human Genetics Tuebingen
Classification: Likely benign. Last evaluated: 2025-09-01. Review status: criteria provided, single submitter. Criteria: CeGaT Center For Human Genetics Tuebingen Variant Classification Criteria Version 2. Collection method: clinical testing. Allele origin: germline. Affected: yes. Observed: 1 variant allele.
Comment: TTN: BP4, BP7

Ambry Genetics
Classification: Likely benign for Cardiovascular phenotype. Last evaluated: 2022-01-23. Review status: criteria provided, single submitter. Criteria: Ambry Variant Classification Scheme 2023. Collection method: clinical testing. Allele origin: germline.

NM_001267550.2(TTN):c.68802C>T (p.Thr22934=)

Genes: TTN (titin; minus strand), TTN-AS1 (TTN antisense RNA 1; plus strand). Cytogenetic location: 2q31.2.
Variant type: single nucleotide variant.
Coding change: c.68802C>T on transcript NM_001267550.2 (MANE Select); coding-DNA position 68802, C replaced by T.
Protein change: p.Thr22934=; no amino-acid change (threonine 22934 retained).
Molecular consequence: synonymous variant.
Genome position (GRCh38, 1-based): chr2:178,577,624, G>A on the plus strand (C>T on the coding strand, the complement: TTN is on the minus strand). VCF-style: chr2-178577624-G-A. GRCh37 (hg19) VCF-style: chr2-179442351-G-A.
Other names: c.63879C>T, p.Thr21293= (NM_001256850.1); c.41607C>T, p.Thr13869= (NM_003319.4); c.61098C>T, p.Thr20366= (NM_133378.4); c.41982C>T, p.Thr13994= (NM_133432.3); c.42183C>T, p.Thr14061= (NM_133437.4).
Identifiers: ClinVar variation 767263 (VCV000767263.18), dbSNP rs767646059, ClinGen allele CA1991044.